The following is an entry in ClinVar:

ClinVar aggregate classification (germline): Uncertain significance (1 of 4 stars; one submission).

Conditions:
Senior-Loken syndrome 8 (SLSN8). Identifiers: Orphanet 3156, MedGen C4225376, MONDO:0014579, OMIM 616307.
Asphyxiating thoracic dystrophy 5 (SRTD5). Also called: SHORT-RIB THORACIC DYSPLASIA 5 WITH OR WITHOUT POLYDACTYLY; SHORT-RIB THORACIC DYSPLASIA 5 WITHOUT POLYDACTYLY. Identifiers: Orphanet 474, MedGen C3280598, MONDO:0013717, OMIM 614376.

Submission:

Labcorp Genetics (formerly Invitae), Labcorp
Classification: Uncertain significance for Senior-Loken syndrome 8; Asphyxiating thoracic dystrophy 5. Last evaluated: 2025-01-23. Review status: criteria provided, single submitter. Criteria: Invitae Variant Classification Sherloc (09022015). Collection method: clinical testing. Allele origin: germline.
Comment: This sequence change falls in intron 22 of the WDR19 gene. It does not directly change the encoded amino acid sequence of the WDR19 protein. This variant is not present in population databases (gnomAD no frequency). This variant has not been reported in the literature in individuals affected with WDR19-related conditions. ClinVar contains an entry for this variant (Variation ID: 2947058). Algorithms developed to predict the effect of sequence changes on RNA splicing suggest that this variant may disrupt the consensus splice site. In summary, the available evidence is currently insufficient to determine the role of this variant in disease. Therefore, it has been classified as a Variant of Uncertain Significance.

NM_025132.4(WDR19):c.2562+19_2562+28del

Gene: WDR19 (WD repeat domain 19; plus strand). Cytogenetic location: 4p14.
Variant type: Deletion.
Coding change: c.2562+19_2562+28del on transcript NM_025132.4 (MANE Select); bases 19 to 28 of the intron after coding-DNA position 2562, 10 bases deleted (CAATATACAT; older notation c.2562+19_2562+28delCAATATACAT).
Molecular consequence: intron variant.
Genome position (GRCh38, 1-based): chr4:39,244,407-39,244,416, CAATATACAT deleted; deleting any 10 consecutive bases within chr4:39,244,404-39,244,416 gives the same sequence; the c. name uses the placement nearest the transcript's 3' end. VCF-style (leftmost placement, unchanged base first): chr4-39244403-GCATCAATATA-G. GRCh37 (hg19) VCF-style: chr4-39246023-GCATCAATATA-G.
Other names: c.2082+19_2082+28del (NM_001317924.2).
Identifiers: ClinVar variation 2947058 (VCV002947058.3), dbSNP rs2475269479, ClinGen allele CA2740091270.